The following is an entry in ClinVar:

NM_000051.4(ATM):c.492G>T (p.Trp164Cys)

Gene: ATM (ATM serine/threonine kinase; plus strand). Cytogenetic location: 11q22.3.
Variant type: single nucleotide variant.
Coding change: c.492G>T on transcript NM_000051.4 (MANE Select); coding-DNA position 492, G replaced by T.
Protein change: p.Trp164Cys; replaces tryptophan 164 with cysteine.
Molecular consequence: missense variant.
Genome position (GRCh38, 1-based): chr11:108,235,830, G>T. VCF-style: chr11-108235830-G-T. GRCh37 (hg19) VCF-style: chr11-108106557-G-T.
Other names: c.492G>T, p.Trp164Cys (NM_001351834.2); short protein forms W164C.
Identifiers: ClinVar variation 453548 (VCV000453548.18), dbSNP rs1555059530, ClinGen allele CA382525757.

ClinVar aggregate classification (germline): Uncertain significance. Review status: criteria provided, multiple submitters, no conflicts (2 of 4 stars). 5 submissions from 5 submitters: Uncertain significance (4). 1 of the submissions does not count toward it. Last evaluated 2025-11-25.

Conditions:
Hereditary cancer-predisposing syndrome. Also called: Tumor predisposition; Hereditary Cancer Syndrome; Neoplastic Syndromes, Hereditary; Hereditary neoplastic syndrome. Identifiers: Orphanet 140162, MedGen C0027672, MeSH D009386, MONDO:0015356.
Familial cancer of breast. Also called: Hereditary breast cancer; hereditary breast carcinoma; BREAST CANCER, FAMILIAL. Identifiers: Orphanet 227535, MedGen C0346153, MONDO:0016419, OMIM 114480. Disease mechanism: loss of function.
Ataxia-telangiectasia syndrome (AT). Also called: Cerebello-oculocutaneous telangiectasia; Immunodeficiency with ataxia telangiectasia; Ataxia-telangiectasia, complementation group D; AT, COMPLEMENTATION GROUP C; Ataxia-telangiectasia, complementation group E; LOUIS-BAR SYNDROME. Identifiers: Orphanet 100, MedGen C0004135, MONDO:0008840, OMIM 208900.

Allele frequency attached by ClinVar (database versions not stated): TOPMed below 0.00001.
gnomAD v4.1: 2 of 1,613,762 alleles (0.00012%); highest among the groups gnomAD compares: Non-Finnish European, 0.00017%; no homozygotes.

Submissions (5):

Color Diagnostics, LLC DBA Color Health
Classification: Uncertain significance for Hereditary cancer-predisposing syndrome. Last evaluated: 2025-11-25. Review status: criteria provided, single submitter. Criteria: ACMG Guidelines, 2015. Collection method: clinical testing. Allele origin: germline.
Comment: This missense variant replaces tryptophan with cysteine at codon 164 of the ATM protein. Computational prediction suggests that this variant may have deleterious impact on protein structure and function. To our knowledge, functional studies have not been reported for this variant. This variant has been detected in a breast cancer case-control meta-analysis in 1/60466 cases and 1/53461 unaffected individuals (PMID: 33471991LOVD DB-ID ATM_001756). This variant has been identified in 2/1613762 chromosomes in the general population by the Genome Aggregation Database (gnomAD). The available evidence is insufficient to determine the role of this variant in disease conclusively. Therefore, this variant is classified as a Variant of Uncertain Significance.

Labcorp Genetics (formerly Invitae), Labcorp
Classification: Uncertain significance for Ataxia-telangiectasia syndrome. Last evaluated: 2025-11-23. Review status: criteria provided, single submitter. Criteria: Invitae Variant Classification Sherloc (09022015). Collection method: clinical testing. Allele origin: germline.
Comment: This sequence change replaces tryptophan, which is neutral and slightly polar, with cysteine, which is neutral and slightly polar, at codon 164 of the ATM protein (p.Trp164Cys). This variant is not present in population databases (gnomAD no frequency). This missense change has been observed in individual(s) with breast cancer (PMID: 31871109). ClinVar contains an entry for this variant (Variation ID: 453548). Invitae Evidence Modeling of protein sequence and biophysical properties (such as structural, functional, and spatial information, amino acid conservation, physicochemical variation, residue mobility, and thermodynamic stability) indicates that this missense variant is expected to disrupt ATM protein function with a positive predictive value of 95%. In summary, the available evidence is currently insufficient to determine the role of this variant in disease. Therefore, it has been classified as a Variant of Uncertain Significance.

Ambry Genetics
Classification: Uncertain significance for Hereditary cancer-predisposing syndrome. Last evaluated: 2025-04-04. Review status: criteria provided, single submitter. Criteria: Ambry Variant Classification Scheme 2023. Collection method: clinical testing. Allele origin: germline.
Comment: The p.W164C variant (also known as c.492G>T), located in coding exon 4 of the ATM gene, results from a G to T substitution at nucleotide position 492. The tryptophan at codon 164 is replaced by cysteine, an amino acid with highly dissimilar properties. This amino acid position is highly conserved in available vertebrate species. In addition, this alteration is predicted to be deleterious by in silico analysis. Based on the available evidence, the clinical significance of this variant remains unclear.

Institute of Human Genetics, University of Leipzig Medical Center
Classification: Uncertain significance for Familial cancer of breast. Last evaluated: 2018-08-06. Review status: criteria provided, single submitter. Criteria: ACMG Guidelines, 2015. Collection method: clinical testing. Allele origin: germline. Affected: yes. Observed: 1 variant allele.

Natera, Inc.
Classification: Uncertain significance for Ataxia-telangiectasia. Last evaluated: 2020-09-16. Review status: no assertion criteria provided. Collection method: clinical testing. Allele origin: germline. Not counted in ClinVar's aggregate classification.

Literature cited by the submitters: PubMed 33471991 (cited by Color Diagnostics, LLC DBA Color Health); PubMed 31871109 (cited by Labcorp Genetics (formerly Invitae), Labcorp and Ambry Genetics).